The following is an entry in ClinVar:

ClinVar aggregate classification (germline): Conflicting classifications of pathogenicity. Review status: criteria provided, conflicting classifications (1 of 4 stars). 4 submissions from 4 submitters: Uncertain significance (1); Likely benign (3). Last evaluated 2026-02-03.

Conditions:
Hemochromatosis type 2B (HFE2B). Also called: Juvenile-Onset Hemochromatosis; HAMP-Related Juvenile Hemochromatosis. Identifiers: Orphanet 79230, MedGen C1865616, MONDO:0013220, OMIM 613313.
Hereditary hemochromatosis (HFE). Identifiers: MedGen C0392514, MONDO:0006507. Disease mechanism: loss of function.

Allele frequency attached by ClinVar (database versions not stated): 1000 Genomes Project 30x 0.00031; 1000 Genomes Project 0.00040; ExAC 0.00074; gnomAD exomes 0.00080; TOPMed 0.00093; gnomAD 0.00096 and 0.00099; ESP Exome Variant Server 0.00100.
gnomAD v4.1: 2,217 of 1,602,518 alleles (0.14%); highest among the groups gnomAD compares: Non-Finnish European, 0.18%; 2 homozygotes.

Submissions (4):

Labcorp Genetics (formerly Invitae), Labcorp
Classification: Likely benign for Hereditary hemochromatosis. Last evaluated: 2026-02-03. Review status: criteria provided, single submitter. Criteria: Invitae Variant Classification Sherloc (09022015). Collection method: clinical testing. Allele origin: germline.

Blueprint Genetics
Classification: Likely benign. Last evaluated: 2024-10-03. Review status: criteria provided, single submitter. Criteria: ACMG Guidelines, 2015. Collection method: clinical testing. Allele origin: germline.

Illumina Laboratory Services, Illumina
Classification: Uncertain significance for Hemochromatosis type 2B. Last evaluated: 2017-04-28. Review status: criteria provided, single submitter. Criteria: ICSL Variant Classification Criteria 13 December 2019. Collection method: clinical testing. Allele origin: germline.
Comment: This variant was observed as part of a predisposition screen in an ostensibly healthy population. A literature search was performed for the gene, cDNA change, and amino acid change (where applicable). Publications were found based on this search. However, the evidence from the literature, in combination with allele frequency data from public databases where available, was not sufficient to rule this variant in or out of causing disease. Therefore, this variant is classified as a variant of unknown significance.

PreventionGenetics, part of Exact Sciences
Classification: Likely benign. Review status: criteria provided, single submitter. Criteria: ACMG Guidelines, 2015. Collection method: clinical testing. Allele origin: germline.

Literature cited by the submitters: PubMed 12915468 (cited by Illumina Laboratory Services, Illumina); PubMed 21088809 (cited by Illumina Laboratory Services, Illumina).

NM_021175.4(HAMP):c.252G>A (p.Thr84=)

Gene: HAMP (hepcidin antimicrobial peptide; plus strand). Cytogenetic location: 19q13.12.
Variant type: single nucleotide variant.
Coding change: c.252G>A on transcript NM_021175.4 (MANE Select); coding-DNA position 252, G replaced by A.
Protein change: p.Thr84=; no amino-acid change (threonine 84 retained).
Molecular consequence: synonymous variant.
Genome position (GRCh38, 1-based): chr19:35,285,039, G>A. VCF-style: chr19-35285039-G-A. GRCh37 (hg19) VCF-style: chr19-35775942-G-A.
Identifiers: ClinVar variation 219770 (VCV000219770.29), dbSNP rs150121265, ClinGen allele CA348271.